The following is an entry in ClinVar:

ClinVar aggregate classification (germline): Benign/Likely benign. Review status: criteria provided, multiple submitters, no conflicts (2 of 4 stars). 5 submissions from 5 submitters: Benign (1); Likely benign (4). Last evaluated 2025-12-29.

Conditions:
Hereditary cancer-predisposing syndrome. Also called: Hereditary neoplastic syndrome; Hereditary Cancer Syndrome; Neoplastic Syndromes, Hereditary; Tumor predisposition. Identifiers: Orphanet 140162, MedGen C0027672, MeSH D009386, MONDO:0015356.

Allele frequency attached by ClinVar (database versions not stated): gnomAD exomes 0.00002; ExAC 0.00003; TOPMed 0.00007; ESP Exome Variant Server 0.00008; gnomAD 0.00009; 1000 Genomes Project 30x 0.00016; 1000 Genomes Project 0.00020.
gnomAD v4.1: 34 of 1,612,588 alleles (0.0021%); highest among the groups gnomAD compares: African/African-American, 0.021%; no homozygotes.

Submissions (5):

Center for Genomic Medicine, Rigshospitalet, Copenhagen University Hospital
Classification: Likely benign. Last evaluated: 2025-12-29. Review status: criteria provided, single submitter. Criteria: ACMG Guidelines, 2015. Collection method: clinical testing. Allele origin: germline.
Comment: Classification criteria: BS1

Women's Health and Genetics/Laboratory Corporation of America, LabCorp
Classification: Likely benign. Last evaluated: 2025-04-18. Review status: criteria provided, single submitter. Criteria: LabCorp Variant Classification Summary - May 2015. Collection method: clinical testing. Allele origin: germline.
Comment: Variant summary: BRCA2 c.*14C>T is located in the untranslated mRNA region downstream of the termination codon. The variant allele was found at a frequency of 2.4e-05 in 248112 control chromosomes. Additionally, the variant also present in 2 occurrences in women of African American ancestry older than age 70 who have never had cancer as reported in the FLOSSIES database. The available data on variant occurrences in the general population are insufficient to allow any conclusion about variant significance. c.*14C>T has been reported in the literature in individuals affected with hereditary breast and ovarian cancer syndrome (Pereira_2022). This report, however, does not provide unequivocal conclusions about the association of the variant with hereditary breast and ovarian cancer syndrome. To our knowledge, no experimental evidence demonstrating an impact on protein function has been reported. The following publications have been ascertained in the context of this evaluation (PMID: 29922827, 35980532). ClinVar contains an entry for this variant (Variation ID: 377587). Based on the evidence outlined above, the variant was classified as likely benign.

ARUP Laboratories, Molecular Genetics and Genomics, ARUP Laboratories
Classification: Likely benign. Last evaluated: 2016-11-17. Review status: criteria provided, single submitter. Criteria: ARUP Molecular Germline Variant Investigation Process. Collection method: clinical testing. Allele origin: germline.

Color Diagnostics, LLC DBA Color Health
Classification: Likely benign for Hereditary cancer-predisposing syndrome. Last evaluated: 2016-04-27. Review status: criteria provided, single submitter. Criteria: ACMG Guidelines, 2015. Collection method: clinical testing. Allele origin: germline.

GeneDx
Classification: Benign. Last evaluated: 2015-05-29. Review status: criteria provided, single submitter. Criteria: GeneDx Variant Classification (06012015). Collection method: clinical testing. Allele origin: germline. Affected: yes.
Comment: This variant is considered likely benign or benign based on one or more of the following criteria: it is a conservative change, it occurs at a poorly conserved position in the protein, it is predicted to be benign by multiple in silico algorithms, and/or has population frequency not consistent with disease.

Literature cited by the submitters: PubMed 29922827 (cited by Women's Health and Genetics/Laboratory Corporation of America, LabCorp); PubMed 35980532 (cited by Women's Health and Genetics/Laboratory Corporation of America, LabCorp).

NM_000059.4(BRCA2):c.*14C>T

Gene: BRCA2 (BRCA2 DNA repair associated; plus strand). Cytogenetic location: 13q13.1.
Variant type: single nucleotide variant.
Coding change: c.*14C>T on transcript NM_000059.4 (MANE Select); 14 bases downstream of the stop codon, C replaced by T.
Molecular consequence: 3 prime UTR variant.
Genome position (GRCh38, 1-based): chr13:32,398,784, C>T. VCF-style: chr13-32398784-C-T. GRCh37 (hg19) VCF-style: chr13-32972921-C-T.
Identifiers: ClinVar variation 377587 (VCV000377587.16), dbSNP rs373436334, ClinGen allele CA6941487.